The following is an entry in ClinVar:

NM_006206.6(PDGFRA):c.2358C>G (p.Asn786Lys)

Gene: PDGFRA (platelet derived growth factor receptor alpha; plus strand). Cytogenetic location: 4q12.
Variant type: single nucleotide variant.
Coding change: c.2358C>G on transcript NM_006206.6 (MANE Select); coding-DNA position 2358, C replaced by G.
Protein change: p.Asn786Lys; replaces asparagine 786 with lysine.
Molecular consequence: missense variant.
Genome position (GRCh38, 1-based): chr4:54,285,405, C>G. VCF-style: chr4-54285405-C-G. GRCh37 (hg19) VCF-style: chr4-55151572-C-G.
Other names: c.2433C>G, p.Asn811Lys (NM_001347828.2); c.2358C>G, p.Asn786Lys (NM_001347829.2); c.2397C>G, p.Asn799Lys (NM_001347830.2); short protein forms N799K, N811K, N786K.
Identifiers: ClinVar variation 639797 (VCV000639797.10), dbSNP rs749224305, ClinGen allele CA356894654.
Genomic context (GRCh38, chr4:54,285,405, plus strand): 5'-CAATACATTTAATTTCTTTTCTGCAGACTCAGAAGTCAAAAACCTCCTTTCAGATGATAA[C>G]TCAGAAGGCCTTACTTTATTGGATTTGTTGAGCTTCACCTATCAAGTTGCCCGAGGAATG-3'
Protein context (NP_006197.1, residues 776-796): SEVKNLLSDD[Asn786Lys]SEGLTLLDLL

ClinVar aggregate classification (germline): Uncertain significance. Review status: criteria provided, multiple submitters, no conflicts (2 of 4 stars). 2 submissions from 2 submitters: Uncertain significance (2). Last evaluated 2025-07-17.

Conditions:
Hereditary cancer-predisposing syndrome. Also called: Hereditary Cancer Syndrome; Tumor predisposition; Neoplastic Syndromes, Hereditary; Hereditary neoplastic syndrome. Identifiers: Orphanet 140162, MedGen C0027672, MeSH D009386, MONDO:0015356.
Gastrointestinal stromal tumor. Also called: Gastrointestinal stromal tumor, somatic; Gastrointestinal stroma tumor. Identifiers: Orphanet 44890, MedGen C0238198, MeSH D046152, MONDO:0011719, OMIM 606764, HP:0100723.

Submissions (2):

Ambry Genetics
Classification: Uncertain significance for Hereditary cancer-predisposing syndrome. Last evaluated: 2025-07-17. Review status: criteria provided, single submitter. Criteria: Ambry Variant Classification Scheme 2023. Collection method: clinical testing. Allele origin: germline.
Comment: The p.N786K variant (also known as c.2358C>G), located in coding exon 16 of the PDGFRA gene, results from a C to G substitution at nucleotide position 2358. The asparagine at codon 786 is replaced by lysine, an amino acid with similar properties. This amino acid position is conserved. In addition, this alteration is predicted to be tolerated by in silico analysis. Since supporting evidence is limited at this time, the clinical significance of this alteration remains unclear.

Labcorp Genetics (formerly Invitae), Labcorp
Classification: Uncertain significance for Gastrointestinal stromal tumor. Last evaluated: 2024-05-09. Review status: criteria provided, single submitter. Criteria: Invitae Variant Classification Sherloc (09022015). Collection method: clinical testing. Allele origin: germline.
Comment: This sequence change replaces asparagine, which is neutral and polar, with lysine, which is basic and polar, at codon 786 of the PDGFRA protein (p.Asn786Lys). This variant is not present in population databases (gnomAD no frequency). This variant has not been reported in the literature in individuals affected with PDGFRA-related conditions. ClinVar contains an entry for this variant (Variation ID: 639797). An algorithm developed to predict the effect of missense changes on protein structure and function (PolyPhen-2) suggests that this variant is likely to be tolerated. In summary, the available evidence is currently insufficient to determine the role of this variant in disease. Therefore, it has been classified as a Variant of Uncertain Significance.